The following is an entry in ClinVar:

NM_001040108.2(MLH3):c.2253A>G (p.Leu751=)

Gene: MLH3 (mutL homolog 3; minus strand). Cytogenetic location: 14q24.3.
Variant type: single nucleotide variant.
Coding change: c.2253A>G on transcript NM_001040108.2 (MANE Select); coding-DNA position 2253, A replaced by G.
Protein change: p.Leu751=; no amino-acid change (leucine 751 retained).
Molecular consequence: synonymous variant.
Genome position (GRCh38, 1-based): chr14:75,047,403, T>C on the plus strand (A>G on the coding strand, the complement: MLH3 is on the minus strand). VCF-style: chr14-75047403-T-C. GRCh37 (hg19) VCF-style: chr14-75514106-T-C.
Other names: c.2253A>G, p.Leu751= (NM_014381.3).
Identifiers: ClinVar variation 1453096 (VCV001453096.11), dbSNP rs748465953, ClinGen allele CA7275726.

ClinVar aggregate classification (germline): Benign/Likely benign. Review status: criteria provided, multiple submitters, no conflicts (2 of 4 stars). 3 submissions from 3 submitters: Benign (1); Likely benign (2). Last evaluated 2026-05-04.

Conditions:
Colorectal cancer, hereditary nonpolyposis, type 7. Identifiers: Orphanet 144, MedGen C1858380, MONDO:0013725, OMIM 614385.

Allele frequency attached by ClinVar (database versions not stated): TOPMed 0.00008; gnomAD exomes below 0.00001 and 0.00001; gnomAD 0.00004 and 0.00003; ExAC 0.00002.
gnomAD v4.1: 9 of 1,614,022 alleles (0.00056%); highest among the groups gnomAD compares: African/African-American, 0.0093%; no homozygotes.

Submissions (3):

Myriad Genetics, Inc.
Classification: Benign for Colorectal cancer, hereditary nonpolyposis, type 7. Last evaluated: 2026-05-04. Review status: criteria provided, single submitter. Criteria: Myriad Autosomal Dominant, Autosomal Recessive and X-Linked Classification Criteria (2023). Collection method: clinical testing. Allele origin: unknown.
Comment: This variant is considered benign. This variant is a silent/synonymous amino acid change and it is not expected to impact splicing.

Labcorp Genetics (formerly Invitae), Labcorp
Classification: Likely benign for Colorectal cancer, hereditary nonpolyposis, type 7. Last evaluated: 2025-10-01. Review status: criteria provided, single submitter. Criteria: Invitae Variant Classification Sherloc (09022015). Collection method: clinical testing. Allele origin: germline.

Ambry Genetics
Classification: Likely benign. Last evaluated: 2022-03-12. Review status: criteria provided, single submitter. Criteria: Ambry Variant Classification Scheme 2023. Collection method: clinical testing. Allele origin: germline.